The following is an entry in ClinVar:

NM_004415.4(DSP):c.8416G>C (p.Ala2806Pro)

Gene: DSP (desmoplakin; plus strand). Cytogenetic location: 6p24.3.
Variant type: single nucleotide variant.
Coding change: c.8416G>C on transcript NM_004415.4 (MANE Select); coding-DNA position 8416, G replaced by C.
Protein change: p.Ala2806Pro; replaces alanine 2806 with proline.
Molecular consequence: missense variant.
Genome position (GRCh38, 1-based): chr6:7,585,678, G>C. VCF-style: chr6-7585678-G-C. GRCh37 (hg19) VCF-style: chr6-7585911-G-C.
Other names: c.6619G>C, p.Ala2207Pro (NM_001008844.3); c.7087G>C, p.Ala2363Pro (NM_001319034.2); short protein forms A2207P, A2363P, A2806P.
Identifiers: ClinVar variation 3750916 (VCV003750916.2).
Genomic context (GRCh38, chr6:7,585,678, plus strand): 5'-AAGGATGCCATAAATCGCTCCATGGTAGAAGATATCACTGGGCTGCGCCTTCTGGAAGCC[G>C]CCTCCGTGTCGTCCAAGGGCTTACCCAGCCCTTACAACATGTCTTCGGCTCCGGGGTCCC-3'
Protein context (NP_004406.2, residues 2796-2816): DITGLRLLEA[Ala2806Pro]SVSSKGLPSP

ClinVar aggregate classification (germline): Uncertain significance (1 of 4 stars; one submission).

Conditions:
Arrhythmogenic right ventricular dysplasia 8 (ARVD8). Also called: Arrhythmogenic Right Ventricular Dysplasia/Cardiomyopathy 8; ARRHYTHMOGENIC RIGHT VENTRICULAR DYSPLASIA, FAMILIAL, 8; ARRHYTHMOGENIC RIGHT VENTRICULAR CARDIOMYOPATHY 8. Identifiers: MedGen C1843896, MONDO:0011831, OMIM 607450.
Arrhythmogenic cardiomyopathy with wooly hair and keratoderma. Also called: PALMOPLANTAR KERATODERMA WITH LEFT VENTRICULAR CARDIOMYOPATHY AND WOOLLY HAIR; Carvajal syndrome; Dilated cardiomyopathy with woolly hair and keratoderma; Arrhythmogenic cardiomyopathy with woolly hair and keratoderma. Identifiers: Orphanet 65282, MedGen C1854063, MONDO:0011581, OMIM 605676.

Submission:

Labcorp Genetics (formerly Invitae), Labcorp
Classification: Uncertain significance for Arrhythmogenic cardiomyopathy with wooly hair and keratoderma; Arrhythmogenic right ventricular dysplasia 8. Last evaluated: 2024-07-16. Review status: criteria provided, single submitter. Criteria: Invitae Variant Classification Sherloc (09022015). Collection method: clinical testing. Allele origin: germline.
Comment: This sequence change replaces alanine, which is neutral and non-polar, with proline, which is neutral and non-polar, at codon 2806 of the DSP protein (p.Ala2806Pro). This variant is not present in population databases (gnomAD no frequency). This variant has not been reported in the literature in individuals affected with DSP-related conditions. An algorithm developed to predict the effect of missense changes on protein structure and function (PolyPhen-2) suggests that this variant is likely to be disruptive. In summary, the available evidence is currently insufficient to determine the role of this variant in disease. Therefore, it has been classified as a Variant of Uncertain Significance.